The following is an entry in ClinVar:

NM_002016.2(FLG):c.9452C>A (p.Ala3151Asp)

Genes: CCDST (cervical cancer associated DHX9 suppressive transcript; plus strand), FLG (filaggrin; minus strand). Cytogenetic location: 1q21.3.
Variant type: single nucleotide variant.
Coding change: c.9452C>A on transcript NM_002016.2 (MANE Select); coding-DNA position 9452, C replaced by A.
Protein change: p.Ala3151Asp; replaces alanine 3151 with aspartic acid.
Molecular consequence: missense variant.
Genome position (GRCh38, 1-based): chr1:152,305,434, G>T on the plus strand (C>A on the coding strand, the complement: FLG is on the minus strand). VCF-style: chr1-152305434-G-T. GRCh37 (hg19) VCF-style: chr1-152277910-G-T.
Other names: short protein forms A3151D.
Identifiers: ClinVar variation 3025089 (VCV003025089.23), dbSNP rs531165708, ClinGen allele CA1103831.
Genomic context (GRCh38, chr1:152,305,434, plus strand): 5'-GATTGTTCCTCATTACGTGTTGTTCTGCTTGCACTTCTGGATCCTGACTGCCCACGGGAG[G>T]CATCAGACCTTCCCTGGGATGTGGTGTGGCTGTGATGGGACCCTGAGTGTCCAGAGCTAT-3'
Protein context (NP_002007.1, residues 3141-3161): SHTTSQGRSD[Ala3151Asp]SRGQSGSRSA

ClinVar aggregate classification (germline): Conflicting classifications of pathogenicity. Review status: criteria provided, conflicting classifications (1 of 4 stars). 2 submissions from 2 submitters: Uncertain significance (1); Likely benign (1). Last evaluated 2024-06-01.

Conditions:
Inborn genetic diseases. Identifiers: MedGen C0950123, MeSH D030342.

Allele frequency attached by ClinVar (database versions not stated): 1000 Genomes Project 0.00040; 1000 Genomes Project 30x 0.00047.
gnomAD v4.1: 312 of 1,597,698 alleles (0.02%); highest among the groups gnomAD compares: Middle Eastern, 0.31%; 4 homozygotes.

Submissions (2):

CeGaT Center for Human Genetics Tuebingen
Classification: Likely benign. Last evaluated: 2024-06-01. Review status: criteria provided, single submitter. Criteria: CeGaT Center For Human Genetics Tuebingen Variant Classification Criteria Version 2. Collection method: clinical testing. Allele origin: germline. Affected: yes. Observed: 2 variant alleles.
Comment: FLG: BP4

Ambry Genetics
Classification: Uncertain significance for Inborn genetic diseases. Last evaluated: 2024-02-06. Review status: criteria provided, single submitter. Criteria: Ambry Variant Classification Scheme 2023. Collection method: clinical testing. Allele origin: germline.